The following is an entry in ClinVar:

NM_002691.4(POLD1):c.1138-14G>A

Gene: POLD1 (DNA polymerase delta 1, catalytic subunit; plus strand). Cytogenetic location: 19q13.33.
Variant type: single nucleotide variant.
Coding change: c.1138-14G>A on transcript NM_002691.4 (MANE Select); 14 bases into the intron before coding-DNA position 1138, G replaced by A.
Molecular consequence: intron variant.
Genome position (GRCh38, 1-based): chr19:50,403,479, G>A. VCF-style: chr19-50403479-G-A. GRCh37 (hg19) VCF-style: chr19-50906736-G-A.
Other names: c.1138-14G>A (NM_001256849.1, LRG_785t2, LRG_785t1 and 1 more transcripts).
Identifiers: ClinVar variation 548900 (VCV000548900.10), dbSNP rs200111674, ClinGen allele CA633897676.

ClinVar aggregate classification (germline): Likely benign. Review status: criteria provided, multiple submitters, no conflicts (2 of 4 stars). 3 submissions from 3 submitters: Likely benign (2). 1 of the submissions does not count toward it. Last evaluated 2025-05-13.

Conditions:
POLD1-related polyposis and colorectal cancer syndrome (CRCS10). Also called: Colorectal cancer 10; COLORECTAL CANCER, SUSCEPTIBILITY TO, ON CHROMOSOME 19q; Colorectal cancer, susceptibility to, 10. Identifiers: Orphanet 220460, MedGen C2675481, MONDO:0012953, OMIM 612591.

Allele frequency attached by ClinVar (database versions not stated): TOPMed 0.00001.
gnomAD v4.1: 1 of 1,589,546 alleles (0.000063%); no homozygotes.

Submissions (3):

Labcorp Genetics (formerly Invitae), Labcorp
Classification: Likely benign for POLD1-related polyposis and colorectal cancer syndrome. Last evaluated: 2025-05-13. Review status: criteria provided, single submitter. Criteria: Invitae Variant Classification Sherloc (09022015). Collection method: clinical testing. Allele origin: germline.

Myriad Genetics, Inc.
Classification: Likely benign for POLD1-related polyposis and colorectal cancer syndrome. Last evaluated: 2023-04-19. Review status: criteria provided, single submitter. Criteria: Myriad Autosomal Dominant, Autosomal Recessive and X-Linked Classification Criteria (2023). Collection method: clinical testing. Allele origin: unknown.
Comment: This variant is considered likely benign. This variant is intronic and is not expected to impact mRNA splicing.

Counsyl
Classification: Likely benign for POLD1-related polyposis and colorectal cancer syndrome. Last evaluated: 2018-05-02. Review status: no assertion criteria provided. Collection method: clinical testing. Allele origin: unknown. Not counted in ClinVar's aggregate classification.